The following is an entry in ClinVar:

ClinVar aggregate classification (germline): Benign/Likely benign. Review status: criteria provided, multiple submitters, no conflicts (2 of 4 stars). 4 submissions from 4 submitters: Benign (2); Likely benign (2). Last evaluated 2025-12-01.

Conditions:
Spermatogenic failure 18. Identifiers: MedGen C4539783, MONDO:0054615, OMIM 617576.
Ciliary dyskinesia, primary, 37 (CILD37). Also called: CILIARY DYSKINESIA, PRIMARY, 37, WITH OR WITHOUT SITUS INVERSUS. Identifiers: MedGen C4539798, MONDO:0033204, OMIM 617577.

Allele frequency attached by ClinVar (database versions not stated): ESP Exome Variant Server 0.00008; TOPMed 0.00008; 1000 Genomes Project 30x 0.00172; 1000 Genomes Project 0.00200; gnomAD 0.00004.
gnomAD v4.1: 961 of 1,593,138 alleles (0.06%); highest among the groups gnomAD compares: South Asian, 1%; 17 homozygotes.

Submissions (4):

CeGaT Center for Human Genetics Tuebingen
Classification: Benign. Last evaluated: 2025-12-01. Review status: criteria provided, single submitter. Criteria: CeGaT Center For Human Genetics Tuebingen Variant Classification Criteria Version 2. Collection method: clinical testing. Allele origin: germline. Affected: yes. Observed: 1 variant allele.
Comment: DNAH1: BP4, BS1, BS2

Labcorp Genetics (formerly Invitae), Labcorp
Classification: Benign for Ciliary dyskinesia, primary, 37; Spermatogenic failure 18. Last evaluated: 2025-11-13. Review status: criteria provided, single submitter. Criteria: Invitae Variant Classification Sherloc (09022015). Collection method: clinical testing. Allele origin: germline.

Blueprint Genetics
Classification: Likely benign. Last evaluated: 2024-10-08. Review status: criteria provided, single submitter. Criteria: ACMG Guidelines, 2015. Collection method: clinical testing. Allele origin: germline.

Fulgent Genetics
Classification: Likely benign for Spermatogenic failure 18; Ciliary dyskinesia, primary, 37. Last evaluated: 2022-01-17. Review status: criteria provided, single submitter. Criteria: ACMG Guidelines, 2015. Collection method: clinical testing. Allele origin: unknown.

NM_015512.5(DNAH1):c.1969C>G (p.Pro657Ala)

Gene: DNAH1 (dynein axonemal heavy chain 1; plus strand). Cytogenetic location: 3p21.1.
Variant type: single nucleotide variant.
Coding change: c.1969C>G on transcript NM_015512.5 (MANE Select); coding-DNA position 1969, C replaced by G.
Protein change: p.Pro657Ala; replaces proline 657 with alanine.
Molecular consequence: missense variant.
Genome position (GRCh38, 1-based): chr3:52,347,837, C>G. VCF-style: chr3-52347837-C-G. GRCh37 (hg19) VCF-style: chr3-52381853-C-G.
Other names: short protein forms P657A.
Identifiers: ClinVar variation 544643 (VCV000544643.18), dbSNP rs199996069, ClinGen allele CA2433116.